The following is an entry in ClinVar:

ClinVar aggregate classification (germline): Likely benign. Review status: criteria provided, single submitter (1 of 4 stars). 2 submissions from 2 submitters: Likely benign (1). 1 of the submissions does not count toward it. Last evaluated 2023-06-14.

Conditions:
Cataract 19 multiple types. Also called: CATARACT 19, CORTICAL PULVERULENT; CATARACT 19, CONGENITAL TOTAL. Identifiers: Orphanet 91492, MedGen C3809004, MONDO:0014111, OMIM 615277.
LIM2-related disorder. Also called: LIM2-related condition.

Allele frequency attached by ClinVar (database versions not stated): gnomAD exomes 0.00004 and 0.00012; ExAC 0.00012; gnomAD 0.00051 and 0.00055; 1000 Genomes Project 0.00100; 1000 Genomes Project 30x 0.00109; TOPMed 0.00128.
gnomAD v4.1: 158 of 1,614,110 alleles (0.0098%); highest among the groups gnomAD compares: Admixed American, 0.21%; 3 homozygotes.

Submissions (2):

Labcorp Genetics (formerly Invitae), Labcorp
Classification: Likely benign for Cataract 19 multiple types. Last evaluated: 2023-06-14. Review status: criteria provided, single submitter. Criteria: Invitae Variant Classification Sherloc (09022015). Collection method: clinical testing. Allele origin: germline.

PreventionGenetics, part of Exact Sciences
Classification: Likely benign for LIM2-related condition. Last evaluated: 2024-05-02. Review status: no assertion criteria provided. Collection method: clinical testing. Allele origin: germline. Not counted in ClinVar's aggregate classification.
Comment: This variant is classified as likely benign based on ACMG/AMP sequence variant interpretation guidelines (Richards et al. 2015 PMID: 25741868, with internal and published modifications).

NM_001161748.2(LIM2):c.175+83A>G

Genes: LIM2 (lens intrinsic membrane protein 2; minus strand), LIM2-AS1 (LIM2 and SIGLEC10 antisense RNA 1; plus strand). Cytogenetic location: 19q13.41.
Variant type: single nucleotide variant.
Coding change: c.175+83A>G on transcript NM_001161748.2 (MANE Select); 83 bases into the intron after coding-DNA position 175, A replaced by G.
Molecular consequence: intron variant. On other transcripts: synonymous variant (1).
Genome position (GRCh38, 1-based): chr19:51,387,186, T>C on the plus strand (A>G on the coding strand, the complement: LIM2 is on the minus strand). VCF-style: chr19-51387186-T-C. GRCh37 (hg19) VCF-style: chr19-51890440-T-C.
Other names: c.258A>G, p.Arg86= (NM_030657.4).
Identifiers: ClinVar variation 702016 (VCV000702016.11), dbSNP rs201295572, ClinGen allele CA9611582.